The following is an entry in ClinVar:

NM_003850.3(SUCLA2):c.989C>T (p.Ala330Val)

Gene: SUCLA2 (succinate-CoA ligase ADP-forming subunit beta; minus strand). Cytogenetic location: 13q14.2.
Variant type: single nucleotide variant.
Coding change: c.989C>T on transcript NM_003850.3 (MANE Select); coding-DNA position 989, C replaced by T.
Protein change: p.Ala330Val; replaces alanine 330 with valine.
Molecular consequence: missense variant.
Genome position (GRCh38, 1-based): chr13:47,954,258, G>A on the plus strand (C>T on the coding strand, the complement: SUCLA2 is on the minus strand). VCF-style: chr13-47954258-G-A. GRCh37 (hg19) VCF-style: chr13-48528393-G-A.
Other names: short protein forms A330V.
Identifiers: ClinVar variation 1959887 (VCV001959887.5), dbSNP rs1406645366, ClinGen allele CA388145402.

ClinVar aggregate classification (germline): Uncertain significance (1 of 4 stars; one submission).

Conditions:
Mitochondrial DNA depletion syndrome, encephalomyopathic form with methylmalonic aciduria (MTDPS5). Also called: SUCLA2-Related Mitochondrial DNA Depletion Syndrome, Encephalomyopathic Form with Methylmalonic Aciduria; Mitochondrial encephalomyopathy aminoacidopathy; MITOCHONDRIAL DNA DEPLETION SYNDROME, ENCEPHALOMYOPATHIC FORM, WITH OR WITHOUT METHYLMALONIC ACIDURIA, AUTOSOMAL RECESSIVE, SUCLA2-RELATED; Mitochondrial DNA depletion syndrome 5 (encephalomyopathic with or without methylmalonic aciduria). Identifiers: Orphanet 1933, MedGen C5980207, MONDO:0012791, OMIM 612073.

Allele frequency attached by ClinVar (database versions not stated): gnomAD exomes below 0.00001; TOPMed 0.00001.
gnomAD v4.1: 2 of 1,613,746 alleles (0.00012%); highest among the groups gnomAD compares: East Asian, 0.0022%; no homozygotes.

Submission:

Labcorp Genetics (formerly Invitae), Labcorp
Classification: Uncertain significance for Mitochondrial DNA depletion syndrome, encephalomyopathic form with methylmalonic aciduria. Last evaluated: 2022-08-03. Review status: criteria provided, single submitter. Criteria: Invitae Variant Classification Sherloc (09022015). Collection method: clinical testing. Allele origin: germline.
Comment: In summary, the available evidence is currently insufficient to determine the role of this variant in disease. Therefore, it has been classified as a Variant of Uncertain Significance. Algorithms developed to predict the effect of missense changes on protein structure and function (SIFT, PolyPhen-2, Align-GVGD) all suggest that this variant is likely to be disruptive. This variant has not been reported in the literature in individuals affected with SUCLA2-related conditions. This variant is present in population databases (no rsID available, gnomAD 0.003%). This sequence change replaces alanine, which is neutral and non-polar, with valine, which is neutral and non-polar, at codon 330 of the SUCLA2 protein (p.Ala330Val).